The following is an entry in ClinVar:

ClinVar aggregate classification (germline): Likely pathogenic (1 of 4 stars; one submission).

Conditions:
Dilated cardiomyopathy 1KK (CMD1KK). Identifiers: Orphanet 154, Orphanet 75249, MedGen C3714995, MONDO:0014100, OMIM 615248.

Submission:

MGZ Medical Genetics Center
Classification: Likely pathogenic for Dilated cardiomyopathy 1KK. Last evaluated: 2021-11-26. Review status: criteria provided, single submitter. Criteria: ACMG Guidelines, 2015. Collection method: clinical testing. Allele origin: germline. Affected: yes. Observed: 1 variant allele.
Comment: ACMG criteria applied: PVS1, PM2_SUP

NM_032578.4(MYPN):c.688C>T (p.Gln230Ter)

Gene: MYPN (myopalladin; plus strand). Cytogenetic location: 10q21.3.
Variant type: single nucleotide variant.
Coding change: c.688C>T on transcript NM_032578.4 (MANE Select); coding-DNA position 688, C replaced by T.
Protein change: p.Gln230Ter; replaces glutamine 230 with a stop codon.
Molecular consequence: nonsense. On other transcripts: 5 prime UTR variant (1), non-coding transcript variant (1).
Genome position (GRCh38, 1-based): chr10:68,122,126, C>T. VCF-style: chr10-68122126-C-T. GRCh37 (hg19) VCF-style: chr10-69881883-C-T.
Other names: c.688C>T, p.Gln230Ter (NM_001256267.2); c.-435C>T (NM_001256268.2); short protein forms Q230*.
Identifiers: ClinVar variation 1709003 (VCV001709003.2), dbSNP rs2495465932, ClinGen allele CA377104906.